The following is an entry in ClinVar:

NM_001130144.3(LTBP3):c.3905G>T (p.Arg1302Leu)

Gene: LTBP3 (latent transforming growth factor beta binding protein 3; minus strand). Cytogenetic location: 11q13.1.
Variant type: single nucleotide variant.
Coding change: c.3905G>T on transcript NM_001130144.3 (MANE Select); coding-DNA position 3905, G replaced by T.
Protein change: p.Arg1302Leu; replaces arginine 1302 with leucine.
Molecular consequence: missense variant.
Genome position (GRCh38, 1-based): chr11:65,539,087, C>A on the plus strand (G>T on the coding strand, the complement: LTBP3 is on the minus strand). VCF-style: chr11-65539087-C-A. GRCh37 (hg19) VCF-style: chr11-65306558-C-A.
Other names: c.3413G>T, p.Arg1138Leu (NM_001164266.1); c.3764G>T, p.Arg1255Leu (NM_021070.4); short protein forms R1138L, R1255L, R1302L.
Identifiers: ClinVar variation 1717460 (VCV001717460.6), dbSNP rs775282370, ClinGen allele CA381265755.

ClinVar aggregate classification (germline): Uncertain significance (1 of 4 stars; one submission).

Conditions:
Brachyolmia-amelogenesis imperfecta syndrome. Also called: Tooth agenesis, selective, 6; Dental anomalies and short stature; PLATYSPONDYLY WITH AMELOGENESIS IMPERFECTA. Identifiers: Orphanet 2899, MedGen C1832594, MONDO:0011018, OMIM 601216. Disease mechanism: loss of function.

gnomAD v4.1: 1 of 1,405,648 alleles (0.000071%); no homozygotes.

Submission:

Labcorp Genetics (formerly Invitae), Labcorp
Classification: Uncertain significance for Brachyolmia-amelogenesis imperfecta syndrome. Last evaluated: 2022-08-21. Review status: criteria provided, single submitter. Criteria: Invitae Variant Classification Sherloc (09022015). Collection method: clinical testing. Allele origin: germline.
Comment: This sequence change replaces arginine, which is basic and polar, with leucine, which is neutral and non-polar, at codon 1302 of the LTBP3 protein (p.Arg1302Leu). This variant is not present in population databases (gnomAD no frequency). This variant has not been reported in the literature in individuals affected with LTBP3-related conditions. Algorithms developed to predict the effect of missense changes on protein structure and function are either unavailable or do not agree on the potential impact of this missense change (SIFT: "Tolerated"; PolyPhen-2: "Probably Damaging"; Align-GVGD: "Class C0"). In summary, the available evidence is currently insufficient to determine the role of this variant in disease. Therefore, it has been classified as a Variant of Uncertain Significance.